The following is an entry in ClinVar:

NM_145059.3(FCSK):c.2393C>T (p.Ala798Val)

Gene: FCSK (fucose kinase; plus strand). Cytogenetic location: 16q22.1.
Variant type: single nucleotide variant.
Coding change: c.2393C>T on transcript NM_145059.3 (MANE Select); coding-DNA position 2393, C replaced by T.
Protein change: p.Ala798Val; replaces alanine 798 with valine.
Molecular consequence: missense variant.
Genome position (GRCh38, 1-based): chr16:70,475,365, C>T. VCF-style: chr16-70475365-C-T. GRCh37 (hg19) VCF-style: chr16-70509268-C-T.
Other names: c.2393C>T (NM_145059.2); short protein forms A798V.
Identifiers: ClinVar variation 2963556 (VCV002963556.4), dbSNP rs1298180576, ClinGen allele CA396573187.

ClinVar aggregate classification (germline): Uncertain significance. Review status: criteria provided, multiple submitters, no conflicts (2 of 4 stars). 2 submissions from 2 submitters: Uncertain significance (2). Last evaluated 2024-06-19.

Allele frequency attached by ClinVar (database versions not stated): TOPMed 0.00001.
gnomAD v4.1: 30 of 1,610,256 alleles (0.0019%); highest among the groups gnomAD compares: African/African-American, 0.0027%; no homozygotes.

Submissions (2):

Ambry Genetics
Classification: Uncertain significance. Last evaluated: 2024-06-19. Review status: criteria provided, single submitter. Criteria: Ambry Variant Classification Scheme 2023. Collection method: clinical testing. Allele origin: germline.

Labcorp Genetics (formerly Invitae), Labcorp
Classification: Uncertain significance. Last evaluated: 2023-02-28. Review status: criteria provided, single submitter. Criteria: Invitae Variant Classification Sherloc (09022015). Collection method: clinical testing. Allele origin: germline.
Comment: In summary, the available evidence is currently insufficient to determine the role of this variant in disease. Therefore, it has been classified as a Variant of Uncertain Significance. Algorithms developed to predict the effect of missense changes on protein structure and function output the following: SIFT: "Not Available"; PolyPhen-2: "Benign"; Align-GVGD: "Not Available". The valine amino acid residue is found in multiple mammalian species, which suggests that this missense change does not adversely affect protein function. This variant has not been reported in the literature in individuals affected with FUK-related conditions. The frequency data for this variant in the population databases is considered unreliable, as metrics indicate poor data quality at this position in the gnomAD database. This sequence change replaces alanine, which is neutral and non-polar, with valine, which is neutral and non-polar, at codon 798 of the FUK protein (p.Ala798Val).